The following is an entry in ClinVar:

ClinVar aggregate classification (germline): Pathogenic (1 of 4 stars; one submission).

Conditions:
Hereditary cancer-predisposing syndrome. Also called: Neoplastic Syndromes, Hereditary; Tumor predisposition; Hereditary Cancer Syndrome; Hereditary neoplastic syndrome. Identifiers: Orphanet 140162, MedGen C0027672, MeSH D009386, MONDO:0015356.

Submission:

Ambry Genetics
Classification: Pathogenic for Hereditary cancer-predisposing syndrome. Last evaluated: 2019-07-11. Review status: criteria provided, single submitter. Criteria: Ambry Variant Classification Scheme 2023. Collection method: clinical testing. Allele origin: germline.
Comment: The p.Ala241[32] pathogenic mutation, located in coding exon 3 of the PHOX2B gene, results from an expansion of the polyalanine repeat region from 20 to 32 repeats. This expansion mutation has not been reported previously; however, similar expansions to 31 and 33 repeats are associated with congenital central hypoventilation syndrome (Matera I et al. J. Med. Genet., 2004 May;41:373-80). Based on the supporting evidence, this alteration is interpreted as a disease-causing mutation.

NM_003924.4(PHOX2B):c.729_764dup (p.Ala260_Gly261insAlaAlaAlaAlaAlaAlaAlaAlaAlaAlaAlaAla)

Genes: PHOX2B (paired like homeobox 2B; minus strand), LOC110011216 (paired like homeobox 2b polyalanine repeat instability region; plus strand). Cytogenetic location: 4p13.
Variant type: Duplication.
Coding change: c.729_764dup on transcript NM_003924.4 (MANE Select); coding-DNA positions 729 to 764, 36 bases duplicated.
Protein change: p.Ala260_Gly261insAlaAlaAlaAlaAlaAlaAlaAlaAlaAlaAlaAla.
Molecular consequence: inframe insertion. On other transcripts: inframe indel (1).
Genome position (GRCh38, 1-based): chr4:41,745,988-41,746,023, 36 bases duplicated; duplicating any 36 consecutive bases within chr4:41,745,988-41,746,028 gives the same sequence; the c. name uses the placement nearest the transcript's 3' end. GRCh37 (hg19): chr4:41,748,010-41,748,045.
Other names: c.729_764dupAGCGGCGGCGGCCGCGGCAGCGGCGGCGGCGGCAGC (NM_003924.3).
Identifiers: ClinVar variation 1758106 (VCV001758106.2), dbSNP rs1733876864, ClinGen allele CA2580071002.